The following is an entry in ClinVar:

ClinVar aggregate classification (germline): Uncertain significance. Review status: criteria provided, multiple submitters, no conflicts (2 of 4 stars). 2 submissions from 2 submitters: Uncertain significance (2). Last evaluated 2025-09-04.

Conditions:
Carney-Stratakis syndrome. Also called: PARAGANGLIOMA AND GASTROINTESTINAL STROMAL TUMOR. Identifiers: Orphanet 97286, MedGen C1847319, MONDO:0011740, OMIM 606864.
Pheochromocytoma. Also called: MAX-Related Hereditary Paraganglioma-Pheochromocytoma Syndrome. Identifiers: Orphanet 29072, MedGen C0031511, MONDO:0008233, OMIM 171300, HP:0002666.
Paragangliomas with sensorineural hearing loss. Identifiers: MedGen C1868633.
Cowden syndrome 3 (CWS3). Identifiers: Orphanet 201, MedGen CN166604, MONDO:0014045.
Hereditary cancer-predisposing syndrome. Also called: Neoplastic Syndromes, Hereditary; Hereditary neoplastic syndrome; Tumor predisposition; Hereditary Cancer Syndrome. Identifiers: Orphanet 140162, MedGen C0027672, MeSH D009386, MONDO:0015356.

Allele frequency attached by ClinVar (database versions not stated): gnomAD exomes below 0.00001; ExAC 0.00001; ESP Exome Variant Server 0.00008.
gnomAD v4.1: 2 of 1,613,978 alleles (0.00012%); highest among the groups gnomAD compares: Non-Finnish European, 0.00017%; no homozygotes.

Submissions (2):

Labcorp Genetics (formerly Invitae), Labcorp
Classification: Uncertain significance for Carney-Stratakis syndrome; Paragangliomas with sensorineural hearing loss; Pheochromocytoma; Cowden syndrome 3. Last evaluated: 2025-09-04. Review status: criteria provided, single submitter. Criteria: Invitae Variant Classification Sherloc (09022015). Collection method: clinical testing. Allele origin: germline.
Comment: This sequence change replaces alanine, which is neutral and non-polar, with valine, which is neutral and non-polar, at codon 83 of the SDHD protein (p.Ala83Val). This variant is not present in population databases (gnomAD no frequency). This variant has not been reported in the literature in individuals affected with SDHD-related conditions. ClinVar contains an entry for this variant (Variation ID: 239465). Invitae Evidence Modeling of protein sequence and biophysical properties (such as structural, functional, and spatial information, amino acid conservation, physicochemical variation, residue mobility, and thermodynamic stability) indicates that this missense variant is expected to disrupt SDHD protein function with a positive predictive value of 95%. In summary, the available evidence is currently insufficient to determine the role of this variant in disease. Therefore, it has been classified as a Variant of Uncertain Significance.

Ambry Genetics
Classification: Uncertain significance for Hereditary cancer-predisposing syndrome. Last evaluated: 2024-07-25. Review status: criteria provided, single submitter. Criteria: Ambry Variant Classification Scheme 2023. Collection method: clinical testing. Allele origin: germline.
Comment: The p.A83V variant (also known as c.248C>T), located in coding exon 3 of the SDHD gene, results from a C to T substitution at nucleotide position 248. The alanine at codon 83 is replaced by valine, an amino acid with similar properties. This amino acid position is not well conserved in available vertebrate species. In addition, this alteration is predicted to be deleterious by in silico analysis. Based on the available evidence, the clinical significance of this variant remains unclear.

NM_003002.4(SDHD):c.248C>T (p.Ala83Val)

Gene: SDHD (succinate dehydrogenase complex subunit D; plus strand). Cytogenetic location: 11q23.1.
Variant type: single nucleotide variant.
Coding change: c.248C>T on transcript NM_003002.4 (MANE Select); coding-DNA position 248, C replaced by T.
Protein change: p.Ala83Val; replaces alanine 83 with valine.
Molecular consequence: missense variant. On other transcripts: non-coding transcript variant (1), intron variant (1).
Genome position (GRCh38, 1-based): chr11:112,088,945, C>T. VCF-style: chr11-112088945-C-T. GRCh37 (hg19) VCF-style: chr11-111959669-C-T.
Other names: c.131C>T, p.Ala44Val (NM_001276504.2); c.248C>T, p.Ala83Val (NM_001276506.2); c.169+972C>T (NM_001276503.2); c.248C>T (NM_003002.2); short protein forms A83V, A44V.
Identifiers: ClinVar variation 239465 (VCV000239465.10), dbSNP rs370165653, ClinGen allele CA070931.